The following is an entry in ClinVar:

ClinVar aggregate classification (germline): Uncertain significance (1 of 4 stars; one submission).

Conditions:
Neurodevelopmental disorder with hypotonia, seizures, and absent language (NDHSAL). Identifiers: MedGen C4310643, MONDO:0014995, OMIM 617268.

Submission:

UAEU Genomics Laboratory, United Arab Emirates University
Classification: Uncertain significance for Neurodevelopmental disorder with hypotonia, seizures, and absent language. Last evaluated: 2024-05-06. Review status: criteria provided, single submitter. Criteria: ACMG Guidelines, 2015. Collection method: research. Allele origin: germline. Affected: yes. Observed: 1 variant allele.
Comment: PM2, PVS1

NM_001348768.2(HECW2):c.3802del (p.Leu1268fs)

Gene: HECW2 (HECT, C2 and WW domain containing E3 ubiquitin protein ligase 2; minus strand). Cytogenetic location: 2q32.3.
Variant type: Deletion.
Coding change: c.3802del on transcript NM_001348768.2 (MANE Select); coding-DNA position 3802, one base deleted (C; older notation c.3802delC).
Protein change: p.Leu1268fs; shifts the reading frame from leucine 1268.
Molecular consequence: frameshift variant.
Genome position (GRCh38, 1-based): chr2:196,228,217, G deleted on the plus strand (C on the coding strand, the reverse complement: HECW2 is on the minus strand); the first of 2 consecutive G bases (chr2:196,228,217-196,228,218); deleting either gives the same sequence. VCF-style (leftmost placement, unchanged base first): chr2-196228216-AG-A. GRCh37 (hg19) VCF-style: chr2-197092940-AG-A.
Other names: c.2734del, p.Leu912fs (NM_001304840.3); c.3802del, p.Leu1268fs (NM_020760.4); c.3802delC (NM_020760.4); short protein forms L1268fs, L912fs.
Identifiers: ClinVar variation 5043332 (VCV005043332.1).